The following is an entry in ClinVar:

NM_000141.5(FGFR2):c.318T>A (p.Ala106=)

Gene: FGFR2 (fibroblast growth factor receptor 2; minus strand). Cytogenetic location: 10q26.13.
Variant type: single nucleotide variant.
Coding change: c.318T>A on transcript NM_000141.5 (MANE Select); coding-DNA position 318, T replaced by A.
Protein change: p.Ala106=; no amino-acid change (alanine 106 retained).
Molecular consequence: synonymous variant. On other transcripts: intron variant (9).
Genome position (GRCh38, 1-based): chr10:121,565,496, A>T on the plus strand (T>A on the coding strand, the complement: FGFR2 is on the minus strand). VCF-style: chr10-121565496-A-T. GRCh37 (hg19) VCF-style: chr10-123325010-A-T.
Other names: c.318T>A, p.Ala106= (NM_001144913.1, NM_001144914.1, NM_001144917.2 and 3 more transcripts); c.110-14037T>A (NM_001144918.2, NM_001441091.1, NM_001441090.1 and 1 more transcripts); c.110-917T>A (NM_001441089.1, NM_023029.3, NM_001441088.1 and 2 more transcripts).
Identifiers: ClinVar variation 2501475 (VCV002501475.1), dbSNP rs2135112892, ClinGen allele CA471740554.
Genomic context (GRCh38, chr10:121,565,496, plus strand): 5'-ACCTGTGACATTCACCATGAAGTACCAAGTTTCACTGTCTACAGTCCTACTGGCAGTACA[A>T]GCATAGAGGCCGGAGTCTCTAGGCGTGGCGCCCTTTATCTGCAAGTACTCCCCAATAAGC-3'
Protein context (NP_000132.3, residues 96-116): GATPRDSGLY[Ala106=]CTASRTVDSE

ClinVar aggregate classification (germline): Uncertain significance (1 of 4 stars; one submission).

Submission:

GeneDx
Classification: Uncertain significance. Last evaluated: 2022-11-03. Review status: criteria provided, single submitter. Criteria: GeneDx Variant Classification Process June 2021. Collection method: clinical testing. Allele origin: germline. Affected: yes.
Comment: Not observed at significant frequency in large population cohorts (gnomAD); In silico analysis supports that this variant does not alter splicing; Has not been previously published as pathogenic or benign to our knowledge